The following is an entry in ClinVar:

ClinVar aggregate classification (germline): Uncertain significance (1 of 4 stars; one submission).

Submission:

GeneDx
Classification: Uncertain significance. Last evaluated: 2023-12-16. Review status: criteria provided, single submitter. Criteria: GeneDx Variant Classification Process June 2021. Collection method: clinical testing. Allele origin: germline. Affected: yes.
Comment: Not observed at significant frequency in large population cohorts (gnomAD); In silico analysis supports that this missense variant does not alter protein structure/function; Has not been previously published as pathogenic or benign to our knowledge

NM_015338.6(ASXL1):c.1723C>G (p.Gln575Glu)

Gene: ASXL1 (ASXL transcriptional regulator 1; plus strand). Cytogenetic location: 20q11.21.
Variant type: single nucleotide variant.
Coding change: c.1723C>G on transcript NM_015338.6 (MANE Select); coding-DNA position 1723, C replaced by G.
Protein change: p.Gln575Glu; replaces glutamine 575 with glutamic acid.
Molecular consequence: missense variant.
Genome position (GRCh38, 1-based): chr20:32,434,435, C>G. VCF-style: chr20-32434435-C-G. GRCh37 (hg19) VCF-style: chr20-31022238-C-G.
Other names: c.1540C>G, p.Gln514Glu (NM_001363734.1); short protein forms Q514E, Q575E.
Identifiers: ClinVar variation 3365670 (VCV003365670.1).